The following is an entry in ClinVar:

NM_014000.3(VCL):c.1535G>T (p.Arg512Leu)

Gene: VCL (vinculin; plus strand). Cytogenetic location: 10q22.2.
Variant type: single nucleotide variant.
Coding change: c.1535G>T on transcript NM_014000.3 (MANE Select); coding-DNA position 1535, G replaced by T.
Protein change: p.Arg512Leu; replaces arginine 512 with leucine.
Molecular consequence: missense variant.
Genome position (GRCh38, 1-based): chr10:74,094,453, G>T. VCF-style: chr10-74094453-G-T. GRCh37 (hg19) VCF-style: chr10-75854211-G-T.
Other names: c.1535G>T, p.Arg512Leu (NM_003373.4); short protein forms R512L.
Identifiers: ClinVar variation 2038680 (VCV002038680.3), dbSNP rs367568441, ClinGen allele CA5563022.

ClinVar aggregate classification (germline): Uncertain significance (1 of 4 stars; one submission).

Conditions:
Dilated cardiomyopathy 1W (CMD1W). Identifiers: Orphanet 154, MedGen C1969639, MONDO:0012667, OMIM 611407.

gnomAD v4.1: 5 of 1,613,576 alleles (0.00031%); highest among the groups gnomAD compares: South Asian, 0.0055%; no homozygotes.

Submission:

Labcorp Genetics (formerly Invitae), Labcorp
Classification: Uncertain significance for Dilated cardiomyopathy 1W. Last evaluated: 2026-01-19. Review status: criteria provided, single submitter. Criteria: Invitae Variant Classification Sherloc (09022015). Collection method: clinical testing. Allele origin: germline.
Comment: This sequence change replaces arginine, which is basic and polar, with leucine, which is neutral and non-polar, at codon 512 of the VCL protein (p.Arg512Leu). This variant is present in population databases (rs367568441, gnomAD 0.01%). This variant has not been reported in the literature in individuals affected with VCL-related conditions. ClinVar contains an entry for this variant (Variation ID: 2038680). An algorithm developed to predict the effect of missense changes on protein structure and function (PolyPhen-2) suggests that this variant is likely to be tolerated. In summary, the available evidence is currently insufficient to determine the role of this variant in disease. Therefore, it has been classified as a Variant of Uncertain Significance.